The following is an entry in ClinVar:

ClinVar aggregate classification (germline): Uncertain significance. Review status: criteria provided, multiple submitters, no conflicts (2 of 4 stars). 5 submissions from 5 submitters: Uncertain significance (5). Last evaluated 2025-03-06.

Conditions:
CHEK2-related cancer predisposition (TPDS4). Also called: TUMOR PREDISPOSITION SYNDROME 4; CANCER PREDISPOSITION SYNDROME, CHEK2-RELATED; CHEK2-related cancer susceptibility. Identifiers: Orphanet 524, MedGen C5882668, MONDO:0700271, OMIM 609265.
Hereditary cancer-predisposing syndrome. Also called: Tumor predisposition; Hereditary Cancer Syndrome; Neoplastic Syndromes, Hereditary; Hereditary neoplastic syndrome. Identifiers: Orphanet 140162, MedGen C0027672, MeSH D009386, MONDO:0015356.
Familial cancer of breast. Also called: BREAST CANCER, FAMILIAL; hereditary breast carcinoma; Hereditary breast cancer. Identifiers: Orphanet 227535, MedGen C0346153, MONDO:0016419, OMIM 114480. Disease mechanism: loss of function.

Submissions (5):

Ambry Genetics
Classification: Uncertain significance for Hereditary cancer-predisposing syndrome. Last evaluated: 2025-03-06. Review status: criteria provided, single submitter. Criteria: Ambry Variant Classification Scheme 2023. Collection method: clinical testing. Allele origin: germline.
Comment: The p.E239V variant (also known as c.716A>T), located in coding exon 5 of the CHEK2 gene, results from an A to T substitution at nucleotide position 716. The glutamic acid at codon 239 is replaced by valine, an amino acid with dissimilar properties. This amino acid position is conserved. In addition, this alteration is predicted to be deleterious by in silico analysis. Based on the available evidence, the clinical significance of this variant remains unclear.

Labcorp Genetics (formerly Invitae), Labcorp
Classification: Uncertain significance for Familial cancer of breast. Last evaluated: 2024-06-09. Review status: criteria provided, single submitter. Criteria: Invitae Variant Classification Sherloc (09022015). Collection method: clinical testing. Allele origin: germline.
Comment: This sequence change replaces glutamic acid, which is acidic and polar, with valine, which is neutral and non-polar, at codon 239 of the CHEK2 protein (p.Glu239Val). This variant is present in population databases (no rsID available, gnomAD 0.006%). This variant has not been reported in the literature in individuals affected with CHEK2-related conditions. ClinVar contains an entry for this variant (Variation ID: 1332136). An algorithm developed to predict the effect of missense changes on protein structure and function (PolyPhen-2) suggests that this variant is likely to be disruptive. In summary, the available evidence is currently insufficient to determine the role of this variant in disease. Therefore, it has been classified as a Variant of Uncertain Significance.

Baylor Genetics
Classification: Uncertain significance for Familial cancer of breast. Last evaluated: 2024-02-18. Review status: criteria provided, single submitter. Criteria: ACMG Guidelines, 2015. Collection method: clinical testing. Allele origin: unknown.

Neuberg Centre For Genomic Medicine, NCGM
Classification: Uncertain significance for CHEK2-related cancer predisposition. Last evaluated: 2023-05-20. Review status: criteria provided, single submitter. Criteria: ACMG Guidelines, 2015. Collection method: clinical testing. Allele origin: germline. Inheritance: Autosomal dominant inheritance. Affected: yes.
Comment: The observed missense variant c.716A>T (p.Glu239Val) in CHEK2 gene has not been reported previously as a pathogenic variant nor as a benign variant, to our knowledge. The p.Asn112Ser variant is absent in gnomAD exomes database. This variant has been submitted to the ClinVar database as Uncertain Significance. Multiple lines of computational evidence (SIFT - damaging; Polyphen - probably damaging; MutationTaster - disease causing) predict a damaging effect on protein structure and function for this variant. The amino acid change p.Glu239Val in CHEK2 is predicted as conserved by GERP++ and PhyloP across 100 vertebrates. The amino acid Glu at position 239 is changed to a Val changing protein sequence and it might alter its composition and physico-chemical properties. For these reasons, this variant has been classified as a Variant of Uncertain Significance (VUS).

Color Diagnostics, LLC DBA Color Health
Classification: Uncertain significance for Hereditary cancer-predisposing syndrome. Last evaluated: 2021-03-08. Review status: criteria provided, single submitter. Criteria: ACMG Guidelines, 2015. Collection method: clinical testing. Allele origin: germline.
Comment: This missense variant replaces glutamic acid with valine at codon 239 of the CHEK2 protein. Computational prediction is inconclusive regarding the impact of this variant on protein structure and function (internally defined REVEL score threshold 0.5 < inconclusive < 0.7, PMID: 27666373). To our knowledge, functional studies have not been reported for this variant. This variant has not been reported in individuals affected with hereditary cancer in the literature. This variant has not been identified in the general population by the Genome Aggregation Database (gnomAD). The available evidence is insufficient to determine the role of this variant in disease conclusively. Therefore, this variant is classified as a Variant of Uncertain Significance.

NM_007194.4(CHEK2):c.716A>T (p.Glu239Val)

Gene: CHEK2 (checkpoint kinase 2; minus strand). Cytogenetic location: 22q12.1.
Variant type: single nucleotide variant.
Coding change: c.716A>T on transcript NM_007194.4 (MANE Select); coding-DNA position 716, A replaced by T.
Protein change: p.Glu239Val; replaces glutamic acid 239 with valine.
Molecular consequence: missense variant.
Genome position (GRCh38, 1-based): chr22:28,711,985, T>A on the plus strand (A>T on the coding strand, the complement: CHEK2 is on the minus strand). VCF-style: chr22-28711985-T-A. GRCh37 (hg19) VCF-style: chr22-29107973-T-A.
Other names: c.845A>T, p.Glu282Val (NM_001005735.3); c.53A>T, p.Glu18Val (NM_001257387.3); c.515A>T, p.Glu172Val (NM_001349956.3); c.716A>T, p.Glu239Val (NM_145862.3); short protein forms E172V, E18V, E239V, E282V.
Identifiers: ClinVar variation 1332136 (VCV001332136.11), dbSNP rs763892124, ClinGen allele CA411103379.
Genomic context (GRCh38, chr22:28,711,985, plus strand): 5'-CCAATAGCAAACTTCCTTTTGCTGATGATCTTTATGGCTACTTTCTTACATGTTTTCCTC[T>A]CGAAAGCCAGCTTTACCTCTCCACAGGCACCACTAGAGGGAAAAACAAAGATAGTGATTG-3'
Protein context (NP_009125.1, residues 229-249): GACGEVKLAF[Glu239Val]RKTCKKVAIK